The following is an entry in ClinVar:

NM_003738.5(PTCH2):c.1534G>A (p.Ala512Thr)

Gene: PTCH2 (patched 2; minus strand). Cytogenetic location: 1p34.1.
Variant type: single nucleotide variant.
Coding change: c.1534G>A on transcript NM_003738.5 (MANE Select); coding-DNA position 1534, G replaced by A.
Protein change: p.Ala512Thr; replaces alanine 512 with threonine.
Molecular consequence: missense variant.
Genome position (GRCh38, 1-based): chr1:44,828,562, C>T on the plus strand (G>A on the coding strand, the complement: PTCH2 is on the minus strand). VCF-style: chr1-44828562-C-T. GRCh37 (hg19) VCF-style: chr1-45294234-C-T.
Other names: c.1534G>A, p.Ala512Thr (NM_001166292.2); short protein forms A512T.
Identifiers: ClinVar variation 2397736 (VCV002397736.3), dbSNP rs200584842, ClinGen allele CA823277.

ClinVar aggregate classification (germline): Uncertain significance. Review status: criteria provided, multiple submitters, no conflicts (2 of 4 stars). 2 submissions from 2 submitters: Uncertain significance (2). Last evaluated 2025-05-05.

Conditions:
Gorlin syndrome. Also called: Nevoid Basal Cell Carcinoma Syndrome; Basal cell nevus syndrome. Identifiers: Orphanet 377, MedGen C0004779, MONDO:0007187.

Allele frequency attached by ClinVar (database versions not stated): gnomAD 0.00001; TOPMed 0.00001; ExAC 0.00002; 1000 Genomes Project 30x 0.00016; 1000 Genomes Project 0.00020.
gnomAD v4.1: 43 of 1,614,002 alleles (0.0027%); highest among the groups gnomAD compares: South Asian, 0.0066%; no homozygotes.

Submissions (2):

Labcorp Genetics (formerly Invitae), Labcorp
Classification: Uncertain significance for Gorlin syndrome. Last evaluated: 2025-05-05. Review status: criteria provided, single submitter. Criteria: Invitae Variant Classification Sherloc (09022015). Collection method: clinical testing. Allele origin: germline.
Comment: This sequence change replaces alanine, which is neutral and non-polar, with threonine, which is neutral and polar, at codon 512 of the PTCH2 protein (p.Ala512Thr). This variant is present in population databases (rs200584842, gnomAD 0.007%). This variant has not been reported in the literature in individuals affected with PTCH2-related conditions. ClinVar contains an entry for this variant (Variation ID: 2397736). Invitae Evidence Modeling of protein sequence and biophysical properties (such as structural, functional, and spatial information, amino acid conservation, physicochemical variation, residue mobility, and thermodynamic stability) indicates that this missense variant is not expected to disrupt PTCH2 protein function with a negative predictive value of 80%. In summary, the available evidence is currently insufficient to determine the role of this variant in disease. Therefore, it has been classified as a Variant of Uncertain Significance.

Ambry Genetics
Classification: Uncertain significance. Last evaluated: 2021-08-12. Review status: criteria provided, single submitter. Criteria: Ambry Variant Classification Scheme 2023. Collection method: clinical testing. Allele origin: germline.